The following is an entry in ClinVar:

ClinVar aggregate classification (germline): Uncertain significance (1 of 4 stars; one submission).

Conditions:
Hereditary sensory and autonomic neuropathy type 6. Also called: Neuropathy, hereditary sensory and autonomic, type VI; HSAN VI. Identifiers: Orphanet 314381, MedGen C3539003, MONDO:0013839, OMIM 614653.
Epidermolysis bullosa simplex 3, localized or generalized intermediate, with BP230 deficiency (EBS3). Also called: Epidermolysis bullosa simplex, autosomal recessive 2; Epidermolysis bullosa simplex due to BP230 deficiency. Identifiers: Orphanet 412181, MedGen C3809470, MONDO:0014180, OMIM 615425.

Allele frequency attached by ClinVar (database versions not stated): ExAC 0.00001; gnomAD exomes 0.00001; TOPMed 0.00001; gnomAD 0.00002.
gnomAD v4.1: 21 of 1,603,780 alleles (0.0013%); highest among the groups gnomAD compares: South Asian, 0.0056%; no homozygotes.

Submission:

Labcorp Genetics (formerly Invitae), Labcorp
Classification: Uncertain significance for Epidermolysis bullosa simplex 3, localized or generalized intermediate, with BP230 deficiency; Hereditary sensory and autonomic neuropathy type 6. Last evaluated: 2022-07-06. Review status: criteria provided, single submitter. Criteria: Invitae Variant Classification Sherloc (09022015). Collection method: clinical testing. Allele origin: germline.
Comment: The frequency data for this variant in the population databases is considered unreliable, as metrics indicate poor data quality at this position in the gnomAD database. This variant has not been reported in the literature in individuals affected with DST-related conditions. In summary, the available evidence is currently insufficient to determine the role of this variant in disease. Therefore, it has been classified as a Variant of Uncertain Significance. This sequence change replaces arginine, which is basic and polar, with histidine, which is basic and polar, at codon 4823 of the DST protein (p.Arg4823His). The DST gene has multiple clinically relevant transcripts. This variant occurs in alternate transcript NM_015548.4, and corresponds to NM_001723.5:c.*145250G>A in the primary transcript.

NM_001374736.1(DST):c.22337G>A (p.Arg7446His)

Gene: DST (dystonin; minus strand). Cytogenetic location: 6p12.1.
Variant type: single nucleotide variant.
Coding change: c.22337G>A on transcript NM_001374736.1 (MANE Select); coding-DNA position 22337, G replaced by A.
Protein change: p.Arg7446His; replaces arginine 7446 with histidine.
Molecular consequence: missense variant.
Genome position (GRCh38, 1-based): chr6:56,470,267, C>T on the plus strand (G>A on the coding strand, the complement: DST is on the minus strand). VCF-style: chr6-56470267-C-T. GRCh37 (hg19) VCF-style: chr6-56335065-C-T.
Other names: c.15980G>A, p.Arg5327His (NM_001144769.5); c.15566G>A, p.Arg5189His (NM_001144770.2); c.22337G>A, p.Arg7446His (NM_001374722.1); c.21377G>A, p.Arg7126His (NM_001374729.1); c.15119G>A, p.Arg5040His (NM_001374730.1); c.22364G>A, p.Arg7455His (NM_001374734.1); c.14468G>A, p.Arg4823His (NM_015548.5); c.15446G>A, p.Arg5149His (NM_183380.4); short protein forms R5189H, R4823H, R5149H, R7446H, R5040H, R5327H, R7126H, R7455H.
Identifiers: ClinVar variation 966394 (VCV000966394.10), dbSNP rs768427386, ClinGen allele CA3866278.